The following is an entry in ClinVar:

NM_005245.4(FAT1):c.12504C>A (p.Asn4168Lys)

Gene: FAT1 (FAT atypical cadherin 1; minus strand). Cytogenetic location: 4q35.2.
Variant type: single nucleotide variant.
Coding change: c.12504C>A on transcript NM_005245.4 (MANE Select); coding-DNA position 12504, C replaced by A.
Protein change: p.Asn4168Lys; replaces asparagine 4168 with lysine.
Molecular consequence: missense variant.
Genome position (GRCh38, 1-based): chr4:186,597,036, G>T on the plus strand (C>A on the coding strand, the complement: FAT1 is on the minus strand). VCF-style: chr4-186597036-G-T. GRCh37 (hg19) VCF-style: chr4-187518190-G-T.
Other names: short protein forms N4168K.
Identifiers: ClinVar variation 1911442 (VCV001911442.2), dbSNP rs2126393849, ClinGen allele CA358967238.

ClinVar aggregate classification (germline): Uncertain significance (1 of 4 stars; one submission).

gnomAD v4.1: 1 of 1,613,990 alleles (0.000062%); highest among the groups gnomAD compares: Admixed American, 0.0017%; no homozygotes.

Submission:

Labcorp Genetics (formerly Invitae), Labcorp
Classification: Uncertain significance. Last evaluated: 2022-10-17. Review status: criteria provided, single submitter. Criteria: Invitae Variant Classification Sherloc (09022015). Collection method: clinical testing. Allele origin: germline.
Comment: This sequence change replaces asparagine, which is neutral and polar, with lysine, which is basic and polar, at codon 4168 of the FAT1 protein (p.Asn4168Lys). This variant is not present in population databases (gnomAD no frequency). This variant has not been reported in the literature in individuals affected with FAT1-related conditions. Algorithms developed to predict the effect of missense changes on protein structure and function (SIFT, PolyPhen-2, Align-GVGD) all suggest that this variant is likely to be disruptive. In summary, the available evidence is currently insufficient to determine the role of this variant in disease. Therefore, it has been classified as a Variant of Uncertain Significance.